The following is an entry in ClinVar:

ClinVar aggregate classification (germline): Uncertain significance (1 of 4 stars; one submission).

gnomAD v4.1: 3 of 1,614,062 alleles (0.00019%); highest among the groups gnomAD compares: Middle Eastern, 0.016%; no homozygotes.

Submission:

Labcorp Genetics (formerly Invitae), Labcorp
Classification: Uncertain significance. Last evaluated: 2022-10-18. Review status: criteria provided, single submitter. Criteria: Invitae Variant Classification Sherloc (09022015). Collection method: clinical testing. Allele origin: germline.
Comment: This sequence change replaces alanine, which is neutral and non-polar, with glycine, which is neutral and non-polar, at codon 1892 of the CDH23 protein (p.Ala1892Gly). This variant is present in population databases (no rsID available, gnomAD no frequency). This variant has not been reported in the literature in individuals affected with CDH23-related conditions. Advanced modeling of protein sequence and biophysical properties (such as structural, functional, and spatial information, amino acid conservation, physicochemical variation, residue mobility, and thermodynamic stability) performed at Invitae indicates that this missense variant is not expected to disrupt CDH23 protein function. In summary, the available evidence is currently insufficient to determine the role of this variant in disease. Therefore, it has been classified as a Variant of Uncertain Significance.

NM_022124.6(CDH23):c.5675C>G (p.Ala1892Gly)

Gene: CDH23 (cadherin related 23; plus strand). Cytogenetic location: 10q22.1.
Variant type: single nucleotide variant.
Coding change: c.5675C>G on transcript NM_022124.6 (MANE Select); coding-DNA position 5675, C replaced by G.
Protein change: p.Ala1892Gly; replaces alanine 1892 with glycine.
Molecular consequence: missense variant.
Genome position (GRCh38, 1-based): chr10:71,785,063, C>G. VCF-style: chr10-71785063-C-G. GRCh37 (hg19) VCF-style: chr10-73544820-C-G.
Other names: short protein forms A1892G.
Identifiers: ClinVar variation 2152733 (VCV002152733.1), dbSNP rs370004432, ClinGen allele CA377147087.